The following is an entry in ClinVar:

NM_000368.5(TSC1):c.2173A>G (p.Lys725Glu)

Gene: TSC1 (TSC complex subunit 1; minus strand). Cytogenetic location: 9q34.13.
Variant type: single nucleotide variant.
Coding change: c.2173A>G on transcript NM_000368.5 (MANE Select); coding-DNA position 2173, A replaced by G.
Protein change: p.Lys725Glu; replaces lysine 725 with glutamic acid.
Molecular consequence: missense variant.
Genome position (GRCh38, 1-based): chr9:132,903,686, T>C on the plus strand (A>G on the coding strand, the complement: TSC1 is on the minus strand). VCF-style: chr9-132903686-T-C. GRCh37 (hg19) VCF-style: chr9-135779073-T-C.
Other names: c.2170A>G, p.Lys724Glu (NM_001162426.2, NM_001406608.1, NM_001406609.1 and 4 more transcripts); c.2020A>G, p.Lys674Glu (NM_001162427.2, NM_001406610.1); c.1810A>G, p.Lys604Glu (NM_001362177.2, NM_001406614.1, NM_001406615.1 and 5 more transcripts); c.2173A>G, p.Lys725Glu (NM_001406592.1, NM_001406593.1, NM_001406594.1 and 5 more transcripts); c.2017A>G, p.Lys673Glu (NM_001406611.1, NM_001406612.1, NM_001406613.1); c.1222A>G, p.Lys408Glu (NM_001406626.1); c.1219A>G, p.Lys407Glu (NM_001406627.1, NM_001406628.1); c.1120A>G, p.Lys374Glu (NM_001406629.1, NM_001406630.1); and 3 more; short protein forms K603E, K674E, K604E, K719E, K374E, K408E, K720E, K725E.
Identifiers: ClinVar variation 1787136 (VCV001787136.7), dbSNP rs953194928, ClinGen allele CA200886645.
Genomic context (GRCh38, chr9:132,903,686, plus strand): 5'-CACCTGTCCCCTCCCCAGTCCTCACCATGGCAGCATTATGTTCCTCCAGAGCTGCTGCTT[T>C]GATCACCTTGCGGAGGAGCCGCCTGTTCCGGAGGGCATGCTGCTGCCTCTTAAAACGCTC-3'
Protein context (NP_000359.1, residues 715-735): RNRRLLRKVI[Lys725Glu]AAALEEHNAA

ClinVar aggregate classification (germline): Uncertain significance. Review status: criteria provided, multiple submitters, no conflicts (2 of 4 stars). 3 submissions from 3 submitters: Uncertain significance (3). Last evaluated 2025-05-23.

Conditions:
Tuberous sclerosis 1 (TSC1). Identifiers: Orphanet 805, MedGen C1854465, MONDO:0008612, OMIM 191100.
Hereditary cancer-predisposing syndrome. Also called: Tumor predisposition; Neoplastic Syndromes, Hereditary; Hereditary Cancer Syndrome; Hereditary neoplastic syndrome. Identifiers: Orphanet 140162, MedGen C0027672, MeSH D009386, MONDO:0015356.
Isolated focal cortical dysplasia type II (FCORD2). Also called: CORTICAL DYSPLASIA OF TAYLOR; Focal cortical dysplasia type II. Identifiers: Orphanet 268994, MedGen C1846385, MONDO:0011818, OMIM 607341, HP:0032051.

Allele frequency attached by ClinVar (database versions not stated): gnomAD exomes below 0.00001; TOPMed below 0.00001.
gnomAD v4.1: 2 of 1,612,822 alleles (0.00012%); highest among the groups gnomAD compares: Non-Finnish European, 0.00017%; no homozygotes.

Submissions (3):

Ambry Genetics
Classification: Uncertain significance for Hereditary cancer-predisposing syndrome. Last evaluated: 2025-05-23. Review status: criteria provided, single submitter. Criteria: Ambry Variant Classification Scheme 2023. Collection method: clinical testing. Allele origin: germline.
Comment: The p.K725E variant (also known as c.2173A>G), located in coding exon 15 of the TSC1 gene, results from an A to G substitution at nucleotide position 2173. The lysine at codon 725 is replaced by glutamic acid, an amino acid with similar properties. This amino acid position is poorly conserved in available vertebrate species. In addition, this alteration is predicted to be tolerated by in silico analysis. Based on the available evidence, the clinical significance of this variant remains unclear.

Labcorp Genetics (formerly Invitae), Labcorp
Classification: Uncertain significance for Tuberous sclerosis 1. Last evaluated: 2025-03-03. Review status: criteria provided, single submitter. Criteria: Invitae Variant Classification Sherloc (09022015). Collection method: clinical testing. Allele origin: germline.
Comment: This sequence change replaces lysine, which is basic and polar, with glutamic acid, which is acidic and polar, at codon 725 of the TSC1 protein (p.Lys725Glu). This variant is not present in population databases (gnomAD no frequency). This variant has not been reported in the literature in individuals affected with TSC1-related conditions. ClinVar contains an entry for this variant (Variation ID: 1787136). Invitae Evidence Modeling of protein sequence and biophysical properties (such as structural, functional, and spatial information, amino acid conservation, physicochemical variation, residue mobility, and thermodynamic stability) indicates that this missense variant is not expected to disrupt TSC1 protein function with a negative predictive value of 95%. In summary, the available evidence is currently insufficient to determine the role of this variant in disease. Therefore, it has been classified as a Variant of Uncertain Significance.

Baylor Genetics
Classification: Uncertain significance for Isolated focal cortical dysplasia type II. Last evaluated: 2023-10-19. Review status: criteria provided, single submitter. Criteria: ACMG Guidelines, 2015. Collection method: clinical testing. Allele origin: unknown.